The following is an entry in ClinVar:

NM_020921.4(NIN):c.5800C>G (p.Gln1934Glu)

Gene: NIN (ninein; minus strand). Cytogenetic location: 14q22.1.
Variant type: single nucleotide variant.
Coding change: c.5800C>G on transcript NM_020921.4 (MANE Select); coding-DNA position 5800, C replaced by G.
Protein change: p.Gln1934Glu; replaces glutamine 1934 with glutamic acid.
Molecular consequence: missense variant.
Genome position (GRCh38, 1-based): chr14:50,735,593, G>C on the plus strand (C>G on the coding strand, the complement: NIN is on the minus strand). VCF-style: chr14-50735593-G-C. GRCh37 (hg19) VCF-style: chr14-51202311-G-C.
Other names: c.3661C>G, p.Gln1221Glu (NM_016350.5); c.5800C>G, p.Gln1934Glu (NM_182944.3, NM_182946.2); short protein forms Q1934E, Q1221E.
Identifiers: ClinVar variation 129798 (VCV000129798.18), dbSNP rs2295847, ClinGen allele CA154110.

ClinVar aggregate classification (germline): Benign. Review status: criteria provided, multiple submitters, no conflicts (2 of 4 stars). 5 submissions from 5 submitters: Benign (4). 1 of the submissions does not count toward it. Last evaluated 2026-02-03.

Conditions:
Seckel syndrome 7 (SCKL7). Identifiers: Orphanet 319675, MedGen C3553870, MONDO:0013922, OMIM 614851.

Allele frequency attached by ClinVar (database versions not stated): ESP Exome Variant Server 0.07937; gnomAD 0.10087 and 0.10872; TOPMed 0.11133; gnomAD exomes 0.11955 and 0.15663; ExAC 0.14942; 1000 Genomes Project 30x 0.18473; 1000 Genomes Project 0.19329.
gnomAD v4.1: 191,141 of 1,610,918 alleles (12%); highest among the groups gnomAD compares: East Asian, 52%; 16,657 homozygotes.

Submissions (5):

Labcorp Genetics (formerly Invitae), Labcorp
Classification: Benign. Last evaluated: 2026-02-03. Review status: criteria provided, single submitter. Criteria: Invitae Variant Classification Sherloc (09022015). Collection method: clinical testing. Allele origin: germline.

Mendelics
Classification: Benign for Seckel syndrome 7. Last evaluated: 2019-05-28. Review status: criteria provided, single submitter. Criteria: Mendelics Assertion Criteria 2017. Collection method: clinical testing. Allele origin: unknown.

GeneDx
Classification: Benign. Last evaluated: 2018-11-12. Review status: criteria provided, single submitter. Criteria: GeneDx Variant Classification Process June 2021. Collection method: clinical testing. Allele origin: germline. Affected: yes.

Breakthrough Genomics
Classification: Benign. Review status: criteria provided, single submitter. Criteria: ACMG Guidelines, 2015. Collection method: not provided. Allele origin: germline. Inheritance: Autosomal recessive inheritance. Affected: yes.

Genetic Services Laboratory, University of Chicago
Classification: Likely benign for AllHighlyPenetrant. Review status: no assertion criteria provided. Collection method: clinical testing. Allele origin: germline. Inheritance: Autosomal recessive inheritance. Not counted in ClinVar's aggregate classification.
Comment: Likely benign based on allele frequency in 1000 Genomes Project or ESP global frequency and its presence in a patient with a rare or unrelated disease phenotype. NOT Sanger confirmed.